The following is an entry in ClinVar:

NC_000005.9:g.(?_86564269)_(86659341_?)del

Gene: RASA1 (RAS p21 protein activator 1; plus strand). Cytogenetic location: 5q14.3.
Variant type: Deletion.
Identifiers: ClinVar variation 1457368 (VCV001457368.5).

ClinVar aggregate classification (germline): Pathogenic (1 of 4 stars; one submission).

Conditions:
Capillary malformation-arteriovenous malformation syndrome. Also called: Capillary malformation-arteriovenous malformation. Identifiers: Orphanet 137667, MedGen C1842180, MONDO:0012016.

Submission:

Labcorp Genetics (formerly Invitae), Labcorp
Classification: Pathogenic for Capillary malformation-arteriovenous malformation syndrome. Last evaluated: 2021-05-31. Review status: criteria provided, single submitter. Criteria: Invitae Variant Classification Sherloc (09022015). Collection method: clinical testing. Allele origin: germline.
Comment: For these reasons, this variant has been classified as Pathogenic. This variant has not been reported in the literature in individuals with RASA1-related conditions. This variant is a gross deletion of the genomic region encompassing exon(s) 1-11 of the RASA1 gene, which includes the initiator codon. The 5' end of this event is unknown as it extends beyond the assayed region for this gene and therefore may encompass additional genes. The 3' boundary is likely confined to intron 11 of the RASA1 gene. It is expected to result in an absent or disrupted protein product. Loss-of-function variants in RASA1 are known to be pathogenic (PMID: 24038909).

Literature cited by the submitters: PubMed 24038909.